The following is an entry in ClinVar:

NM_144997.7(FLCN):c.1325A>T (p.His442Leu)

Gene: FLCN (folliculin; minus strand). Cytogenetic location: 17p11.2.
Variant type: single nucleotide variant.
Coding change: c.1325A>T on transcript NM_144997.7 (MANE Select); coding-DNA position 1325, A replaced by T.
Protein change: p.His442Leu; replaces histidine 442 with leucine.
Molecular consequence: missense variant.
Genome position (GRCh38, 1-based): chr17:17,215,292, T>A on the plus strand (A>T on the coding strand, the complement: FLCN is on the minus strand). VCF-style: chr17-17215292-T-A. GRCh37 (hg19) VCF-style: chr17-17118606-T-A.
Other names: c.1379A>T, p.His460Leu (NM_001353229.2); c.1325A>T, p.His442Leu (NM_001353230.2, NM_001353231.2); short protein forms H442L, H460L.
Identifiers: ClinVar variation 1719768 (VCV001719768.6), dbSNP rs2544148383, ClinGen allele CA398531463.

ClinVar aggregate classification (germline): Uncertain significance (1 of 4 stars; one submission).

Conditions:
Birt-Hogg-Dube syndrome. Also called: Birt Hogg Dubé syndrome. Identifiers: Orphanet 122, MedGen C0346010, MONDO:0800444.

Submission:

Labcorp Genetics (formerly Invitae), Labcorp
Classification: Uncertain significance for Birt-Hogg-Dube syndrome. Last evaluated: 2022-09-19. Review status: criteria provided, single submitter. Criteria: Invitae Variant Classification Sherloc (09022015). Collection method: clinical testing. Allele origin: germline.
Comment: In summary, the available evidence is currently insufficient to determine the role of this variant in disease. Therefore, it has been classified as a Variant of Uncertain Significance. Advanced modeling of protein sequence and biophysical properties (such as structural, functional, and spatial information, amino acid conservation, physicochemical variation, residue mobility, and thermodynamic stability) performed at Invitae indicates that this missense variant is not expected to disrupt FLCN protein function. This variant has not been reported in the literature in individuals affected with FLCN-related conditions. This variant is not present in population databases (gnomAD no frequency). This sequence change replaces histidine, which is basic and polar, with leucine, which is neutral and non-polar, at codon 442 of the FLCN protein (p.His442Leu).